The following is an entry in ClinVar:

ClinVar aggregate classification (germline): Conflicting classifications of pathogenicity. Review status: criteria provided, conflicting classifications (1 of 4 stars). 3 submissions from 3 submitters: Uncertain significance (2); Likely benign (1). Last evaluated 2025-06-04.

Conditions:
Familial cancer of breast. Also called: BREAST CANCER, FAMILIAL; Hereditary breast cancer; hereditary breast carcinoma. Identifiers: Orphanet 227535, MedGen C0346153, MONDO:0016419, OMIM 114480. Disease mechanism: loss of function.
Hereditary cancer-predisposing syndrome. Also called: Neoplastic Syndromes, Hereditary; Hereditary Cancer Syndrome; Hereditary neoplastic syndrome; Tumor predisposition. Identifiers: Orphanet 140162, MedGen C0027672, MeSH D009386, MONDO:0015356.

Allele frequency attached by ClinVar (database versions not stated): gnomAD exomes below 0.00001 and 0.00001; TOPMed 0.00001; ExAC 0.00002.
gnomAD v4.1: 1 of 1,613,880 alleles (0.000062%); highest among the groups gnomAD compares: East Asian, 0.0022%; no homozygotes.

Submissions (3):

Labcorp Genetics (formerly Invitae), Labcorp
Classification: Uncertain significance for Familial cancer of breast. Last evaluated: 2025-06-04. Review status: criteria provided, single submitter. Criteria: Invitae Variant Classification Sherloc (09022015). Collection method: clinical testing. Allele origin: germline.
Comment: This sequence change replaces serine, which is neutral and polar, with tyrosine, which is neutral and polar, at codon 97 of the PALB2 protein (p.Ser97Tyr). This variant is present in population databases (rs776902295, gnomAD 0.01%). This variant has not been reported in the literature in individuals affected with PALB2-related conditions. ClinVar contains an entry for this variant (Variation ID: 460968). An algorithm developed to predict the effect of missense changes on protein structure and function (PolyPhen-2) suggests that this variant is likely to be disruptive. In summary, the available evidence is currently insufficient to determine the role of this variant in disease. Therefore, it has been classified as a Variant of Uncertain Significance.

Ambry Genetics
Classification: Likely benign for Hereditary cancer-predisposing syndrome. Last evaluated: 2025-03-05. Review status: criteria provided, single submitter. Criteria: Ambry Variant Classification Scheme 2023. Collection method: clinical testing. Allele origin: germline.

Color Diagnostics, LLC DBA Color Health
Classification: Uncertain significance for Hereditary cancer-predisposing syndrome. Last evaluated: 2022-11-07. Review status: criteria provided, single submitter. Criteria: ACMG Guidelines, 2015. Collection method: clinical testing. Allele origin: germline.
Comment: This missense variant replaces serine with tyrosine at codon 97 of the PALB2 protein. Computational prediction suggests that this variant may not impact protein structure and function (internally defined REVEL score threshold <= 0.5, PMID: 27666373). To our knowledge, functional studies have not been reported for this variant. This variant has not been reported in individuals affected with PALB2-related disorders in the literature. This variant has been identified in 2/251276 chromosomes in the general population by the Genome Aggregation Database (gnomAD). The available evidence is insufficient to determine the role of this variant in disease conclusively. Therefore, this variant is classified as a Variant of Uncertain Significance.

NM_024675.4(PALB2):c.290C>A (p.Ser97Tyr)

Gene: PALB2 (partner and localizer of BRCA2; minus strand). Cytogenetic location: 16p12.2.
Variant type: single nucleotide variant.
Coding change: c.290C>A on transcript NM_024675.4 (MANE Select); coding-DNA position 290, C replaced by A.
Protein change: p.Ser97Tyr; replaces serine 97 with tyrosine.
Molecular consequence: missense variant.
Genome position (GRCh38, 1-based): chr16:23,636,256, G>T on the plus strand (C>A on the coding strand, the complement: PALB2 is on the minus strand). VCF-style: chr16-23636256-G-T. GRCh37 (hg19) VCF-style: chr16-23647577-G-T.
Other names: short protein forms S97Y.
Identifiers: ClinVar variation 460968 (VCV000460968.17), dbSNP rs776902295, ClinGen allele CA7963804.